The following is an entry in ClinVar:

ClinVar aggregate classification (germline): Uncertain significance (1 of 4 stars; one submission).

Allele frequency attached by ClinVar (database versions not stated): TOPMed below 0.00001; gnomAD 0.00001; ExAC 0.00002.
gnomAD v4.1: 14 of 1,614,050 alleles (0.00087%); highest among the groups gnomAD compares: Non-Finnish European, 0.0011%; no homozygotes.

Submission:

Labcorp Genetics (formerly Invitae), Labcorp
Classification: Uncertain significance. Last evaluated: 2022-03-17. Review status: criteria provided, single submitter. Criteria: Invitae Variant Classification Sherloc (09022015). Collection method: clinical testing. Allele origin: germline.
Comment: In summary, the available evidence is currently insufficient to determine the role of this variant in disease. Therefore, it has been classified as a Variant of Uncertain Significance. Advanced modeling of protein sequence and biophysical properties (such as structural, functional, and spatial information, amino acid conservation, physicochemical variation, residue mobility, and thermodynamic stability) performed at Invitae indicates that this missense variant is not expected to disrupt CSF1R protein function. This variant has not been reported in the literature in individuals affected with CSF1R-related conditions. This variant is present in population databases (rs746764799, gnomAD 0.002%). This sequence change replaces glutamic acid, which is acidic and polar, with lysine, which is basic and polar, at codon 739 of the CSF1R protein (p.Glu739Lys).

NM_001288705.3(CSF1R):c.2215G>A (p.Glu739Lys)

Gene: CSF1R (colony stimulating factor 1 receptor; minus strand). Cytogenetic location: 5q32.
Variant type: single nucleotide variant.
Coding change: c.2215G>A on transcript NM_001288705.3 (MANE Select); coding-DNA position 2215, G replaced by A.
Protein change: p.Glu739Lys; replaces glutamic acid 739 with lysine.
Molecular consequence: missense variant. On other transcripts: non-coding transcript variant (2).
Genome position (GRCh38, 1-based): chr5:150,057,510, C>T on the plus strand (G>A on the coding strand, the complement: CSF1R is on the minus strand). VCF-style: chr5-150057510-C-T. GRCh37 (hg19) VCF-style: chr5-149437073-C-T.
Other names: c.2215G>A, p.Glu739Lys (NM_001349736.2, NM_001375320.1, NM_005211.4); c.1771G>A, p.Glu591Lys (NM_001375321.1); short protein forms E591K, E739K.
Identifiers: ClinVar variation 1937563 (VCV001937563.5), dbSNP rs746764799, ClinGen allele CA3506515.